The following is an entry in ClinVar:

NM_001283009.2(RTEL1):c.1789A>G (p.Ser597Gly)

Genes: RTEL1 (regulator of telomere elongation helicase 1; plus strand), RTEL1-TNFRSF6B (RTEL1-TNFRSF6B readthrough (NMD candidate); plus strand). Cytogenetic location: 20q13.33.
Variant type: single nucleotide variant.
Coding change: c.1789A>G on transcript NM_001283009.2 (MANE Select); coding-DNA position 1789, A replaced by G.
Protein change: p.Ser597Gly; replaces serine 597 with glycine.
Molecular consequence: missense variant. On other transcripts: non-coding transcript variant (1).
Genome position (GRCh38, 1-based): chr20:63,688,594, A>G. VCF-style: chr20-63688594-A-G. GRCh37 (hg19) VCF-style: chr20-62319947-A-G.
Other names: c.1120A>G, p.Ser374Gly (NM_001283010.1); c.1789A>G, p.Ser597Gly (NM_016434.4); c.1861A>G, p.Ser621Gly (NM_032957.5); short protein forms S374G, S597G, S621G.
Identifiers: ClinVar variation 1408869 (VCV001408869.7), dbSNP rs774400247, ClinGen allele CA9964973.
Genomic context (GRCh38, chr20:63,688,594, plus strand): 5'-GACTTGGCCAGGAAGATGGAGGCGCTGAAGCCGCTGTTTGTGGAGCCCAGGAGCAAAGGC[A>G]GCTTCTCCGAGGTCGGCACTTGGCCGGGGCTCTGGGCCTGCTGCCCCCTCGTGCCTCCCC-3'
Protein context (NP_001269938.1, residues 587-607): PLFVEPRSKG[Ser597Gly]FSETISAYYA

ClinVar aggregate classification (germline): Conflicting classifications of pathogenicity. Review status: criteria provided, conflicting classifications (1 of 4 stars). 3 submissions from 3 submitters: Uncertain significance (1); Likely benign (2). Last evaluated 2024-12-15.

Conditions:
Inborn genetic diseases. Identifiers: MedGen C0950123, MeSH D030342.
Dyskeratosis congenita, autosomal recessive 5 (DKCB5). Identifiers: MedGen C3554656, MONDO:0014076, OMIM 615190.
Pulmonary fibrosis and/or bone marrow failure, Telomere-related, 3. Also called: PULMONARY FIBROSIS AND/OR BONE MARROW FAILURE SYNDROME, TELOMERE-RELATED, 3. Identifiers: Orphanet 2032, MedGen C4225346, MONDO:0014613, OMIM 616373.

Allele frequency attached by ClinVar (database versions not stated): gnomAD 0.00001; TOPMed 0.00001; gnomAD exomes 0.00002 and 0.00003; ExAC 0.00005.
gnomAD v4.1: 33 of 1,608,374 alleles (0.0021%); highest among the groups gnomAD compares: South Asian, 0.013%; no homozygotes.

Submissions (3):

Ambry Genetics
Classification: Likely benign for Inborn genetic diseases. Last evaluated: 2024-12-15. Review status: criteria provided, single submitter. Criteria: Ambry Variant Classification Scheme 2023. Collection method: clinical testing. Allele origin: germline.

Blueprint Genetics
Classification: Likely benign. Last evaluated: 2023-09-08. Review status: criteria provided, single submitter. Criteria: ACMG Guidelines, 2015. Collection method: clinical testing. Allele origin: germline.

Labcorp Genetics (formerly Invitae), Labcorp
Classification: Uncertain significance for Dyskeratosis congenita, autosomal recessive 5; Pulmonary fibrosis and/or bone marrow failure, Telomere-related, 3. Last evaluated: 2021-09-17. Review status: criteria provided, single submitter. Criteria: Invitae Variant Classification Sherloc (09022015). Collection method: clinical testing. Allele origin: germline.
Comment: This sequence change replaces serine with glycine at codon 597 of the RTEL1 protein (p.Ser597Gly). The serine residue is weakly conserved and there is a small physicochemical difference between serine and glycine. This variant is present in population databases (rs774400247, ExAC 0.03%). This variant has not been reported in the literature in individuals with RTEL1-related conditions. Algorithms developed to predict the effect of missense changes on protein structure and function output the following: SIFT: "Tolerated"; PolyPhen-2: "Benign"; Align-GVGD: "Class C0". The glycine amino acid residue is found in multiple mammalian species, suggesting that this missense change does not adversely affect protein function. These predictions have not been confirmed by published functional studies and their clinical significance is uncertain. In summary, the available evidence is currently insufficient to determine the role of this variant in disease. Therefore, it has been classified as a Variant of Uncertain Significance.